The following is an entry in ClinVar:

ClinVar aggregate classification (germline): Uncertain significance. Review status: criteria provided, multiple submitters, no conflicts (2 of 4 stars). 2 submissions from 2 submitters: Uncertain significance (2). Last evaluated 2025-03-24.

Conditions:
Hereditary cancer-predisposing syndrome. Also called: Neoplastic Syndromes, Hereditary; Tumor predisposition; Hereditary Cancer Syndrome; Hereditary neoplastic syndrome. Identifiers: Orphanet 140162, MedGen C0027672, MeSH D009386, MONDO:0015356.
Familial adenomatous polyposis 2. Also called: MUTYH Polyposis; COLORECTAL ADENOMATOUS POLYPOSIS, AUTOSOMAL RECESSIVE; ADENOMAS, MULTIPLE COLORECTAL, AUTOSOMAL RECESSIVE; MUTYH-associated polyposis; MYH-associated polyposis; MUTYH-related attenuated familial adenomatous polyposis. Identifiers: Orphanet 220460, Orphanet 247798, MedGen C3272841, MONDO:0012041, OMIM 608456.

Submissions (2):

Ambry Genetics
Classification: Uncertain significance for Hereditary cancer-predisposing syndrome. Last evaluated: 2025-03-24. Review status: criteria provided, single submitter. Criteria: Ambry Variant Classification Scheme 2023. Collection method: clinical testing. Allele origin: germline.
Comment: The c.115_123dupCATGCTAAG variant (also known as p.H39_K41dup), located in coding exon 2 of the MUTYH gene, results from an in-frame duplication of CATGCTAAG at nucleotide positions 115 to 123. This results in the duplication of 3 extra residues (HAK) between codons 39 and 41. This amino acid region is not well conserved in available vertebrate species. In addition, this alteration is predicted to be neutral by in silico analysis (Choi Y et al. PLoS ONE. 2012; 7(10):e46688). Based on the available evidence, the clinical significance of this variant remains unclear.

Labcorp Genetics (formerly Invitae), Labcorp
Classification: Uncertain significance for Familial adenomatous polyposis 2. Last evaluated: 2022-01-26. Review status: criteria provided, single submitter. Criteria: Invitae Variant Classification Sherloc (09022015). Collection method: clinical testing. Allele origin: germline.
Comment: This variant, c.115_123dup, results in the insertion of 3 amino acid(s) of the MUTYH protein (p.His39_Lys41dup), but otherwise preserves the integrity of the reading frame. This variant is not present in population databases (gnomAD no frequency). This variant has not been reported in the literature in individuals affected with MUTYH-related conditions. Experimental studies and prediction algorithms are not available or were not evaluated, and the functional significance of this variant is currently unknown. In summary, the available evidence is currently insufficient to determine the role of this variant in disease. Therefore, it has been classified as a Variant of Uncertain Significance.

NM_001048174.2(MUTYH):c.73_81dup (p.Lys27_Asn28insHisAlaLys)

Gene: MUTYH (mutY DNA glycosylase; minus strand). Cytogenetic location: 1p34.1.
Variant type: Duplication.
Coding change: c.73_81dup on transcript NM_001048174.2 (MANE Select); coding-DNA positions 73 to 81, 9 bases duplicated (CATGCTAAG; older notation c.73_81dupCATGCTAAG).
Protein change: p.Lys27_Asn28insHisAlaLys.
Molecular consequence: inframe insertion. On other transcripts: 5 prime UTR variant (4), inframe indel (16), non-coding transcript variant (2).
Genome position (GRCh38, 1-based): chr1:45,334,425-45,334,433, CTTAGCATG duplicated on the plus strand (CATGCTAAG on the coding strand, the reverse complement: MUTYH is on the minus strand); duplicating any 9 consecutive bases within chr1:45,334,425-45,334,436 gives the same sequence; the c. name uses the placement nearest the transcript's 3' end. VCF-style (leftmost placement, unchanged base first): chr1-45334424-T-TCTTAGCATG. GRCh37 (hg19) VCF-style: chr1-45800096-T-TCTTAGCATG.
Other names: c.73_81dup, p.Lys27_Asn28insHisAlaLys (NM_001048171.2, NM_001048172.2, NM_001048173.2 and 2 more transcripts); c.115_123dup, p.Lys41_Asn42insHisAlaLys (NM_001128425.2, NM_001293190.2, NM_012222.3); c.-140_-132dup (NM_001293192.2, NM_001293196.2); c.-199_-191dup (NM_001350650.2); c.-135_-127dup (NM_001350651.2); c.112_120dup, p.Lys41_Asn42insHisAlaLys (NM_001407069.1, NM_001407073.1); c.70_78dup, p.Lys27_Asn28insHisAlaLys (NM_001407070.1, NM_001407071.1, NM_001407072.1 and 10 more transcripts); c.-87_-79dup (NM_001407075.1); and 4 more.
Identifiers: ClinVar variation 2090000 (VCV002090000.5), dbSNP rs2524355744, ClinGen allele CA2580063292.
Genomic context (GRCh38, chr1:45,334,424, plus strand): 5'-GCCTTGGGCCACAACCTAGTTCCTTACCATCACAGGCAGAAGGCTTGGCCTGACTGTTGT[T>TCTTAGCATG]CTTAGCATGCTTCTGCCTCCCTTCCTGGCTGGCTGCCTGCTTCCTGTGACCACTTCCCAC-3'